The following is an entry in ClinVar:

NM_198576.4(AGRN):c.1798+1G>T

Gene: AGRN (agrin; plus strand). Cytogenetic location: 1p36.33.
Variant type: single nucleotide variant.
Coding change: c.1798+1G>T on transcript NM_198576.4 (MANE Select); the canonical splice donor site of the intron after coding-DNA position 1798, G replaced by T.
Molecular consequence: splice donor variant.
Genome position (GRCh38, 1-based): chr1:1,043,733, G>T. VCF-style: chr1-1043733-G-T. GRCh37 (hg19) VCF-style: chr1-979113-G-T.
Other names: c.1798+1G>T (NM_001305275.2); c.1483+1G>T (NM_001364727.2).
Identifiers: ClinVar variation 2063004 (VCV002063004.5), dbSNP rs746488526, ClinGen allele CA508329.

ClinVar aggregate classification (germline): Likely pathogenic (1 of 4 stars; one submission).

Conditions:
Congenital myasthenic syndrome 8. Also called: Myasthenic syndrome, congenital, 8, with pre- and postsynaptic defects; MYASTHENIC SYNDROME, CONGENITAL, DUE TO AGRIN DEFICIENCY. Identifiers: Orphanet 590, MedGen C3808739, MONDO:0014052, OMIM 615120.

Allele frequency attached by ClinVar (database versions not stated): gnomAD 0.00003; 1000 Genomes Project 30x 0.00016; ExAC 0.00002; TOPMed 0.00002.
gnomAD v4.1: 42 of 1,601,420 alleles (0.0026%); highest among the groups gnomAD compares: Non-Finnish European, 0.0031%; no homozygotes.

Submissions (3):

Labcorp Genetics (formerly Invitae), Labcorp
Classification: Likely pathogenic for Congenital myasthenic syndrome 8. Last evaluated: 2022-06-18. Review status: criteria provided, single submitter. Criteria: Invitae Variant Classification Sherloc (09022015). Collection method: clinical testing. Allele origin: germline.
Comment: This sequence change affects a donor splice site in intron 9 of the AGRN gene. It is expected to disrupt RNA splicing. Variants that disrupt the donor or acceptor splice site typically lead to a loss of protein function (PMID: 16199547), and loss-of-function variants in AGRN are known to be pathogenic (PMID: 24951643). This variant is present in population databases (rs746488526, gnomAD 0.003%). This variant has not been reported in the literature in individuals affected with AGRN-related conditions. Algorithms developed to predict the effect of sequence changes on RNA splicing suggest that this variant may disrupt the consensus splice site. In summary, the currently available evidence indicates that the variant is pathogenic, but additional data are needed to prove that conclusively. Therefore, this variant has been classified as Likely Pathogenic.

Dr. Peter K. Rogan Lab, Western University
No classification provided (evidence only). Condition: Lung cancer. Review status: no classification provided. Collection method: in vitro. Allele origin: not applicable. Functional consequence: skipped exon, retained intron. Not counted in ClinVar's aggregate classification.

Dr. Peter K. Rogan Lab, Western University
No classification provided (evidence only). Condition: Nonpapillary renal cell carcinoma. Review status: no classification provided. Collection method: in vitro. Allele origin: not applicable. Functional consequence: skipped exon, retained intron. Not counted in ClinVar's aggregate classification.

Literature cited by the submitters: PubMed 16199547 (cited by Labcorp Genetics (formerly Invitae), Labcorp); PubMed 24951643 (cited by Labcorp Genetics (formerly Invitae), Labcorp).